The following is an entry in ClinVar:

ClinVar aggregate classification (germline): Uncertain significance. Review status: criteria provided, multiple submitters, no conflicts (2 of 4 stars). 2 submissions from 2 submitters: Uncertain significance (2). Last evaluated 2025-03-18.

Conditions:
Inborn genetic diseases. Identifiers: MedGen C0950123, MeSH D030342.

gnomAD v4.1: 2 of 1,609,602 alleles (0.00012%); highest among the groups gnomAD compares: South Asian, 0.0022%; no homozygotes.

Submissions (2):

Ambry Genetics
Classification: Uncertain significance for Inborn genetic diseases. Last evaluated: 2025-03-18. Review status: criteria provided, single submitter. Criteria: Ambry Variant Classification Scheme 2023. Collection method: clinical testing. Allele origin: germline.

Labcorp Genetics (formerly Invitae), Labcorp
Classification: Uncertain significance. Last evaluated: 2025-01-08. Review status: criteria provided, single submitter. Criteria: Invitae Variant Classification Sherloc (09022015). Collection method: clinical testing. Allele origin: germline.
Comment: This sequence change replaces alanine, which is neutral and non-polar, with valine, which is neutral and non-polar, at codon 6 of the NDUFB8 protein (p.Ala6Val). This variant is present in population databases (no rsID available, gnomAD 0.003%). This variant has not been reported in the literature in individuals affected with NDUFB8-related conditions. An algorithm developed to predict the effect of missense changes on protein structure and function outputs the following: PolyPhen-2: "Benign". The valine amino acid residue is found in multiple mammalian species, which suggests that this missense change does not adversely affect protein function. In summary, the available evidence is currently insufficient to determine the role of this variant in disease. Therefore, it has been classified as a Variant of Uncertain Significance.

NM_005004.4(NDUFB8):c.17C>T (p.Ala6Val)

Gene: NDUFB8 (NADH:ubiquinone oxidoreductase subunit B8; minus strand). Cytogenetic location: 10q24.31.
Variant type: single nucleotide variant.
Coding change: c.17C>T on transcript NM_005004.4 (MANE Select); coding-DNA position 17, C replaced by T.
Protein change: p.Ala6Val; replaces alanine 6 with valine.
Molecular consequence: missense variant. On other transcripts: intron variant (1).
Genome position (GRCh38, 1-based): chr10:100,529,835, G>A on the plus strand (C>T on the coding strand, the complement: NDUFB8 is on the minus strand). VCF-style: chr10-100529835-G-A. GRCh37 (hg19) VCF-style: chr10-102289592-G-A.
Other names: c.17C>T (NM_005004.2); c.-9+23C>T (NM_001284368.1); c.17C>T, p.Ala6Val (NM_001284367.2); short protein forms A6V.
Identifiers: ClinVar variation 3616813 (VCV003616813.3).
Genomic context (GRCh38, chr10:100,529,835, plus strand): 5'-GCGCCCAGCGGCATCACGTTCCGGGATGCCCTTTGCAGCCACTGGACTCCCAAGACCCCG[G>A]CCCTGGCCACCGCCATCTTCACCTTCTTCACGTTTCCCTTCTGCACATGCGCAAAGGCCT-3'
Protein context (NP_004995.1, residues 1-16): MAVAR[Ala6Val]GVLGVQWLQR